The following is an entry in ClinVar:

ClinVar aggregate classification (germline): Pathogenic/Likely pathogenic. Review status: criteria provided, multiple submitters, no conflicts (2 of 4 stars). 6 submissions from 6 submitters: Pathogenic (4); Likely pathogenic (1). 1 of the submissions does not count toward it. Last evaluated 2025-11-24.

Conditions:
Bardet-Biedl syndrome (BBS). Identifiers: Orphanet 110, MedGen C0752166, MONDO:0015229.
BBS2-related disorder. Also called: BBS2-related disorders; BBS2-related condition. Identifiers: MedGen CN239228.
Bardet-Biedl syndrome 2 (BBS2). Identifiers: Orphanet 110, MedGen C2936863, MONDO:0014432, OMIM 615981.

Allele frequency attached by ClinVar (database versions not stated): gnomAD exomes below 0.00001; ExAC 0.00001.
gnomAD v4.1: 3 of 1,614,210 alleles (0.00019%); highest among the groups gnomAD compares: Admixed American, 0.0017%; no homozygotes.

Submissions (6):

PreventionGenetics, part of Exact Sciences
Classification: Pathogenic for BBS2-related condition. Last evaluated: 2025-11-24. Review status: criteria provided, single submitter. Criteria: ACMG Guidelines, 2015. Collection method: clinical testing. Allele origin: germline.
Comment: The BBS2 c.941-1G>T variant is predicted to disrupt the AG splice acceptor site and interfere with normal splicing. This variant has been reported in the compound heterozygous state in an individual with retinitis pigmentosa (Table S2, Martin-Merida et al. 2019. PubMed ID: 30902645). This variant is reported in 0.00088% of alleles in individuals of European (Non-Finnish) descent in gnomAD. Variants that disrupt the consensus splice acceptor site in BBS2 are expected to be pathogenic. This variant is interpreted as pathogenic.

Natera, Inc.
Classification: Pathogenic for Bardet-Biedl syndrome type 2. Last evaluated: 2025-08-17. Review status: criteria provided, single submitter. Criteria: Natera Variant Classification Schema (03/2026). Collection method: clinical testing. Allele origin: germline.
Comment: The c.941-1G>T variant in BBS2 is a canonical splice acceptor site variant predicted to affect pre-mRNA splicing, which may result in an abnormal transcript and altered protein product. This variant is expected to result in nonsense mediated decay, truncation, or a dysfunctional protein product. This variant is rare in the general population with a frequency below the threshold expected for the associated phenotype(s). This variant has been observed in one or more individuals affected with the associated recessive disease, as either homozygous or compound heterozygous with a second variant (PMID: 30902645). Given the available evidence, this variant is classified as Pathogenic.

Labcorp Genetics (formerly Invitae), Labcorp
Classification: Pathogenic for Bardet-Biedl syndrome. Last evaluated: 2024-05-23. Review status: criteria provided, single submitter. Criteria: Invitae Variant Classification Sherloc (09022015). Collection method: clinical testing. Allele origin: germline.
Comment: This sequence change affects an acceptor splice site in intron 8 of the BBS2 gene. It is expected to disrupt RNA splicing. Variants that disrupt the donor or acceptor splice site typically lead to a loss of protein function (PMID: 16199547), and loss-of-function variants in BBS2 are known to be pathogenic (PMID: 11285252, 20177705, 24608809, 26518167). This variant is present in population databases (rs777234811, gnomAD 0.0009%). Disruption of this splice site has been observed in individual(s) with retinitis pigmentosa (PMID: 30902645). In at least one individual the data is consistent with being in trans (on the opposite chromosome) from a pathogenic variant. ClinVar contains an entry for this variant (Variation ID: 556737). Algorithms developed to predict the effect of sequence changes on RNA splicing suggest that this variant may disrupt the consensus splice site. For these reasons, this variant has been classified as Pathogenic.

Baylor Genetics
Classification: Pathogenic for Bardet-Biedl syndrome 2. Last evaluated: 2023-03-23. Review status: criteria provided, single submitter. Criteria: ACMG Guidelines, 2015. Collection method: clinical testing. Allele origin: unknown.

Blueprint Genetics
Classification: Likely pathogenic for BBS2-related disorders. Last evaluated: 2019-08-20. Review status: criteria provided, single submitter. Criteria: ACMG Guidelines, 2015. Collection method: clinical testing. Allele origin: germline. Affected: yes. Observed: 1 variant allele.

Counsyl
Classification: Likely pathogenic for Bardet-Biedl syndrome 2. Last evaluated: 2018-02-14. Review status: no assertion criteria provided. Collection method: clinical testing. Allele origin: unknown. Not counted in ClinVar's aggregate classification.

Literature cited by the submitters: PubMed 30902645 (cited by Natera, Inc. and Labcorp Genetics (formerly Invitae), Labcorp); PubMed 16199547 (cited by Labcorp Genetics (formerly Invitae), Labcorp); PubMed 11285252 (cited by Labcorp Genetics (formerly Invitae), Labcorp); PubMed 20177705 (cited by Labcorp Genetics (formerly Invitae), Labcorp); PubMed 24608809 (cited by Labcorp Genetics (formerly Invitae), Labcorp); PubMed 26518167 (cited by Labcorp Genetics (formerly Invitae), Labcorp).

NM_031885.5(BBS2):c.941-1G>T

Gene: BBS2 (Bardet-Biedl syndrome 2; minus strand). Cytogenetic location: 16q13.
Variant type: single nucleotide variant.
Coding change: c.941-1G>T on transcript NM_031885.5 (MANE Select); the canonical splice acceptor site of the intron before coding-DNA position 941, G replaced by T.
Molecular consequence: splice acceptor variant.
Genome position (GRCh38, 1-based): chr16:56,502,457, C>A on the plus strand (G>T on the coding strand, the complement: BBS2 is on the minus strand). VCF-style: chr16-56502457-C-A. GRCh37 (hg19) VCF-style: chr16-56536369-C-A.
Other names: c.941-1G>T (NM_001377456.1).
Identifiers: ClinVar variation 556737 (VCV000556737.14), dbSNP rs777234811, ClinGen allele CA8065859.